The following is an entry in ClinVar:

ClinVar aggregate classification (germline): Uncertain significance. Review status: criteria provided, multiple submitters, no conflicts (2 of 4 stars). 3 submissions from 3 submitters: Uncertain significance (3). Last evaluated 2024-03-14.

Conditions:
Congenital microcephaly - severe encephalopathy - progressive cerebral atrophy syndrome. Also called: Asparagine synthetase deficiency; ASNS DEFICIENCY. Identifiers: Orphanet 391376, MedGen C3809971, MONDO:0014258, OMIM 615574.

gnomAD v4.1: 1 of 1,614,184 alleles (0.000062%); highest among the groups gnomAD compares: Non-Finnish European, 0.000085%; no homozygotes.

Submissions (3):

Genomic Medicine Center of Excellence, King Faisal Specialist Hospital and Research Centre
Classification: Uncertain significance for Asparagine synthetase deficiency. Last evaluated: 2024-03-14. Review status: criteria provided, single submitter. Criteria: ACMG Guidelines, 2015. Collection method: clinical testing. Allele origin: germline.

Revvity Omics, Revvity
Classification: Uncertain significance for Congenital microcephaly - severe encephalopathy - progressive cerebral atrophy syndrome. Last evaluated: 2021-02-02. Review status: criteria provided, single submitter. Criteria: ACMG Guidelines, 2015. Collection method: clinical testing. Allele origin: germline.

Baylor Genetics
Classification: Uncertain significance for Congenital microcephaly - severe encephalopathy - progressive cerebral atrophy syndrome. Last evaluated: 2019-11-22. Review status: criteria provided, single submitter. Criteria: ACMG Guidelines, 2015. Collection method: clinical testing. Allele origin: unknown. Affected: yes.
Comment: This variant was determined to be of uncertain significance according to ACMG Guidelines, 2015 [PMID:25741868].

NM_001673.5(ASNS):c.224A>T (p.Asn75Ile)

Genes: ASNS (asparagine synthetase (glutamine-hydrolyzing); minus strand), CZ1P-ASNS (CZ1P-ASNS readthrough; minus strand). Cytogenetic location: 7q21.3.
Variant type: single nucleotide variant.
Coding change: c.224A>T on transcript NM_001673.5 (MANE Select); coding-DNA position 224, A replaced by T.
Protein change: p.Asn75Ile; replaces asparagine 75 with isoleucine.
Molecular consequence: missense variant. On other transcripts: non-coding transcript variant (1), intron variant (2).
Genome position (GRCh38, 1-based): chr7:97,868,933, T>A on the plus strand (A>T on the coding strand, the complement: ASNS is on the minus strand). VCF-style: chr7-97868933-T-A. GRCh37 (hg19) VCF-style: chr7-97498245-T-A.
Other names: c.161A>T (NM_001178075.1); c.161A>T, p.Asn54Ile (NM_001178075.2); c.224A>T, p.Asn75Ile (NM_001352496.2, NM_133436.3, NM_183356.4); c.-1+3418A>T (NM_001178076.2); c.-1+3108A>T (NM_001178077.1); short protein forms N54I, N75I.
Identifiers: ClinVar variation 1029362 (VCV001029362.5), dbSNP rs747624770, ClinGen allele CA368273835.